The following is an entry in ClinVar:

ClinVar aggregate classification (germline): Pathogenic. Review status: criteria provided, multiple submitters, no conflicts (2 of 4 stars). 2 submissions from 2 submitters: Pathogenic (2). Last evaluated 2026-01-09.

Conditions:
Cardiovascular phenotype. Identifiers: MedGen CN230736.

Submissions (2):

GeneDx
Classification: Pathogenic. Last evaluated: 2026-01-09. Review status: criteria provided, single submitter. Criteria: GeneDx Variant Classification Process June 2021. Collection method: clinical testing. Allele origin: germline.
Comment: Frameshift variant predicted to result in protein truncation or nonsense mediated decay in a gene for which loss of function is a known mechanism of disease; Not observed at significant frequency in large population cohorts (gnomAD); Has not been previously published as pathogenic or benign to our knowledge

Ambry Genetics
Classification: Pathogenic for Cardiovascular phenotype. Last evaluated: 2025-06-24. Review status: criteria provided, single submitter. Criteria: Ambry Variant Classification Scheme 2023. Collection method: clinical testing. Allele origin: germline.
Comment: The c.196_197delAG pathogenic mutation, located in coding exon 2 of the SPRED1 gene, results from a deletion of two nucleotides at nucleotide positions 196 to 197, causing a translational frameshift with a predicted alternate stop codon (p.R66Gfs*11). This variant is considered to be rare based on population cohorts in the Genome Aggregation Database (gnomAD). This alteration is expected to result in loss of function by premature protein truncation or nonsense-mediated mRNA decay. As such, this alteration is interpreted as a disease-causing mutation.

NM_152594.3(SPRED1):c.196_197del (p.Arg66fs)

Gene: SPRED1 (sprouty related EVH1 domain containing 1; plus strand). Cytogenetic location: 15q14.
Variant type: Deletion.
Coding change: c.196_197del on transcript NM_152594.3 (MANE Select); coding-DNA positions 196 to 197, 2 bases deleted (AG; older notation c.196_197delAG).
Protein change: p.Arg66fs; shifts the reading frame from arginine 66.
Molecular consequence: frameshift variant.
Genome position (GRCh38, 1-based): chr15:38,299,536-38,299,537, AG deleted. VCF-style (leftmost placement, unchanged base first): chr15-38299535-CAG-C. GRCh37 (hg19) VCF-style: chr15-38591736-CAG-C.
Other names: c.196_197delAG (NM_152594.2); short protein forms R66fs.
Identifiers: ClinVar variation 3769846 (VCV003769846.3).
Genomic context (GRCh38, chr15:38,299,535, plus strand): 5'-CAAAGTCCCTCATCAGGAAGAGAATGGCTGTGCTGACTTTTTTATCCGTGGAGAGCGACT[CAG>C]GGACAAAATGGTAATGAATAATGTATCTAATACTATAATTTTAGATAATGAATTATCTGT-3'